The following is an entry in ClinVar:

NM_001042492.3(NF1):c.5281G>T (p.Ala1761Ser)

Gene: NF1 (neurofibromin 1; plus strand). Cytogenetic location: 17q11.2.
Variant type: single nucleotide variant.
Coding change: c.5281G>T on transcript NM_001042492.3 (MANE Select); coding-DNA position 5281, G replaced by T.
Protein change: p.Ala1761Ser; replaces alanine 1761 with serine.
Molecular consequence: missense variant.
Genome position (GRCh38, 1-based): chr17:31,327,511, G>T. VCF-style: chr17-31327511-G-T. GRCh37 (hg19) VCF-style: chr17-29654529-G-T.
Other names: c.5218G>T, p.Ala1740Ser (NM_000267.4); short protein forms A1740S, A1761S.
Identifiers: ClinVar variation 4800778 (VCV004800778.1).

ClinVar aggregate classification (germline): Uncertain significance (1 of 4 stars; one submission).

Conditions:
Neurofibromatosis, type 1 (NF1). Also called: VON RECKLINGHAUSEN DISEASE; Neurofibromatosis, type I; NEUROFIBROMATOSIS, TYPE I, SOMATIC; Peripheral type neurofibromatosis. Identifiers: Orphanet 636, MedGen C0027831, MONDO:0018975, OMIM 162200. Disease mechanism: loss of function.

Submission:

Labcorp Genetics (formerly Invitae), Labcorp
Classification: Uncertain significance for Neurofibromatosis, type 1. Last evaluated: 2025-07-02. Review status: criteria provided, single submitter. Criteria: Invitae Variant Classification Sherloc (09022015). Collection method: clinical testing. Allele origin: germline.
Comment: This sequence change replaces alanine, which is neutral and non-polar, with serine, which is neutral and polar, at codon 1740 of the NF1 protein (p.Ala1740Ser). This variant is not present in population databases (gnomAD no frequency). This variant has not been reported in the literature in individuals affected with NF1-related conditions. Invitae Evidence Modeling of protein sequence and biophysical properties (such as structural, functional, and spatial information, amino acid conservation, physicochemical variation, residue mobility, and thermodynamic stability) indicates that this missense variant is expected to disrupt NF1 protein function with a positive predictive value of 95%. In summary, the available evidence is currently insufficient to determine the role of this variant in disease. Therefore, it has been classified as a Variant of Uncertain Significance.